The following is an entry in ClinVar:

ClinVar aggregate classification (germline): Uncertain significance. Review status: criteria provided, multiple submitters, no conflicts (2 of 4 stars). 7 submissions from 7 submitters: Uncertain significance (7). Last evaluated 2024-09-30.

Conditions:
Spondylodysplastic Ehlers-Danlos syndrome. Identifiers: Orphanet 536471, Orphanet 75496, MedGen C5680154, MONDO:0007526.
Inborn genetic diseases. Identifiers: MedGen C0950123, MeSH D030342.
Ehlers-Danlos syndrome (EDS). Identifiers: Orphanet 98249, MedGen C0013720, MONDO:0020066.
Ehlers-Danlos syndrome, spondylodysplastic type, 1 (EDSSPD1). Also called: Ehlers-Danlos syndrome progeroid type; XGPT DEFICIENCY; XYLOSYLPROTEIN 4-BETA-GALACTOSYLTRANSFERASE DEFICIENCY; DERMATAN SULFATE PROTEOGLYCAN; EHLERS-DANLOS SYNDROME, PROGEROID TYPE, 1; GALACTOSYLTRANSFERASE I DEFICIENCY. Identifiers: Orphanet 75496, MedGen C4552003, MONDO:0020682, OMIM 130070.

Allele frequency attached by ClinVar (database versions not stated): gnomAD 0.00003; ExAC 0.00004; gnomAD exomes 0.00005 and 0.00011; ESP Exome Variant Server 0.00015.

Submissions (7):

GeneDx
Classification: Uncertain significance. Last evaluated: 2024-09-30. Review status: criteria provided, single submitter. Criteria: GeneDx Variant Classification Process June 2021. Collection method: clinical testing. Allele origin: germline. Affected: yes.
Comment: Not observed at significant frequency in large population cohorts (gnomAD); In silico analysis supports that this missense variant has a deleterious effect on protein structure/function; Has not been previously published as pathogenic or benign to our knowledge

Ambry Genetics
Classification: Uncertain significance for Inborn genetic diseases. Last evaluated: 2024-08-27. Review status: criteria provided, single submitter. Criteria: Ambry Variant Classification Scheme 2023. Collection method: clinical testing. Allele origin: germline.

Mayo Clinic Laboratories, Mayo Clinic
Classification: Uncertain significance. Last evaluated: 2024-06-13. Review status: criteria provided, single submitter. Criteria: ACMG Guidelines, 2015. Collection method: clinical testing. Allele origin: germline. Observed: 1 variant allele.
Comment: BP4

CeGaT Center for Human Genetics Tuebingen
Classification: Uncertain significance. Last evaluated: 2024-02-01. Review status: criteria provided, single submitter. Criteria: CeGaT Center For Human Genetics Tuebingen Variant Classification Criteria Version 2. Collection method: clinical testing. Allele origin: germline. Affected: yes. Observed: 1 variant allele.
Comment: B4GALT7: PM2

Labcorp Genetics (formerly Invitae), Labcorp
Classification: Uncertain significance for Spondylodysplastic Ehlers-Danlos syndrome. Last evaluated: 2022-06-11. Review status: criteria provided, single submitter. Criteria: Invitae Variant Classification Sherloc (09022015). Collection method: clinical testing. Allele origin: germline.
Comment: This sequence change replaces proline, which is neutral and non-polar, with serine, which is neutral and polar, at codon 113 of the B4GALT7 protein (p.Pro113Ser). This variant is present in population databases (rs138496419, gnomAD 0.01%). This variant has not been reported in the literature in individuals affected with B4GALT7-related conditions. Algorithms developed to predict the effect of missense changes on protein structure and function are either unavailable or do not agree on the potential impact of this missense change (SIFT: "Deleterious"; PolyPhen-2: "Probably Damaging"; Align-GVGD: "Class C0"). In summary, the available evidence is currently insufficient to determine the role of this variant in disease. Therefore, it has been classified as a Variant of Uncertain Significance.

Revvity Omics, Revvity
Classification: Uncertain significance for Ehlers-Danlos syndrome, spondylodysplastic type, 1. Last evaluated: 2022-02-01. Review status: criteria provided, single submitter. Criteria: ACMG Guidelines, 2015. Collection method: clinical testing. Allele origin: germline.

Genome Diagnostics Laboratory, The Hospital for Sick Children
Classification: Uncertain significance for Ehlers-Danlos syndrome. Last evaluated: 2020-01-01. Review status: criteria provided, single submitter. Criteria: ACMG Guidelines, 2015. Collection method: clinical testing. Allele origin: germline.

NM_007255.3(B4GALT7):c.337C>T (p.Pro113Ser)

Gene: B4GALT7 (beta-1,4-galactosyltransferase 7; plus strand). Cytogenetic location: 5q35.3.
Variant type: single nucleotide variant.
Coding change: c.337C>T on transcript NM_007255.3 (MANE Select); coding-DNA position 337, C replaced by T.
Protein change: p.Pro113Ser; replaces proline 113 with serine.
Molecular consequence: missense variant.
Genome position (GRCh38, 1-based): chr5:177,604,465, C>T. VCF-style: chr5-177604465-C-T. GRCh37 (hg19) VCF-style: chr5-177031466-C-T.
Other names: p.Pro113Ser; short protein forms P113S.
Identifiers: ClinVar variation 1361602 (VCV001361602.35), dbSNP rs138496419, ClinGen allele CA3586445.